The following is an entry in ClinVar:

NM_004064.5(CDKN1B):c.418A>G (p.Ser140Gly)

Gene: CDKN1B (cyclin dependent kinase inhibitor 1B; plus strand). Cytogenetic location: 12p13.1.
Variant type: single nucleotide variant.
Coding change: c.418A>G on transcript NM_004064.5 (MANE Select); coding-DNA position 418, A replaced by G.
Protein change: p.Ser140Gly; replaces serine 140 with glycine.
Molecular consequence: missense variant.
Genome position (GRCh38, 1-based): chr12:12,718,257, A>G. VCF-style: chr12-12718257-A-G. GRCh37 (hg19) VCF-style: chr12-12871191-A-G.
Other names: short protein forms S140G.
Identifiers: ClinVar variation 2565428 (VCV002565428.2), dbSNP rs1267240858, ClinGen allele CA383970693.

ClinVar aggregate classification (germline): Uncertain significance (1 of 4 stars; one submission).

Conditions:
Hereditary cancer-predisposing syndrome. Also called: Neoplastic Syndromes, Hereditary; Hereditary Cancer Syndrome; Hereditary neoplastic syndrome; Tumor predisposition. Identifiers: Orphanet 140162, MedGen C0027672, MeSH D009386, MONDO:0015356.

Allele frequency attached by ClinVar (database versions not stated): gnomAD exomes below 0.00001.
gnomAD v4.1: 2 of 1,610,324 alleles (0.00012%); highest among the groups gnomAD compares: South Asian, 0.0011%; no homozygotes.

Submission:

Ambry Genetics
Classification: Uncertain significance for Hereditary cancer-predisposing syndrome. Last evaluated: 2023-06-01. Review status: criteria provided, single submitter. Criteria: Ambry Variant Classification Scheme 2023. Collection method: clinical testing. Allele origin: germline.
Comment: The p.S140G variant (also known as c.418A>G), located in coding exon 1 of the CDKN1B gene, results from an A to G substitution at nucleotide position 418. The serine at codon 140 is replaced by glycine, an amino acid with similar properties. This amino acid position is conserved. In addition, this alteration is predicted to be tolerated by in silico analysis. Since supporting evidence is limited at this time, the clinical significance of this alteration remains unclear.